The following is an entry in ClinVar:

NM_004329.3(BMPR1A):c.1426G>A (p.Val476Ile)

Gene: BMPR1A (bone morphogenetic protein receptor type 1A; plus strand). Cytogenetic location: 10q23.2.
Variant type: single nucleotide variant.
Coding change: c.1426G>A on transcript NM_004329.3 (MANE Select); coding-DNA position 1426, G replaced by A.
Protein change: p.Val476Ile; replaces valine 476 with isoleucine.
Molecular consequence: missense variant.
Genome position (GRCh38, 1-based): chr10:86,923,459, G>A. VCF-style: chr10-86923459-G-A. GRCh37 (hg19) VCF-style: chr10-88683216-G-A.
Other names: short protein forms V476I.
Identifiers: ClinVar variation 1319118 (VCV001319118.10), dbSNP rs2133621480, ClinGen allele CA377463048.

ClinVar aggregate classification (germline): Conflicting classifications of pathogenicity. Review status: criteria provided, conflicting classifications (1 of 4 stars). 4 submissions from 4 submitters: Uncertain significance (3); Likely benign (1). Last evaluated 2024-11-20.

Conditions:
Hereditary cancer-predisposing syndrome. Also called: Neoplastic Syndromes, Hereditary; Hereditary Cancer Syndrome; Tumor predisposition; Hereditary neoplastic syndrome. Identifiers: Orphanet 140162, MedGen C0027672, MeSH D009386, MONDO:0015356.
Juvenile polyposis syndrome (JPS). Identifiers: Orphanet 2929, MedGen C0345893, MONDO:0017380, OMIM 174900.

Submissions (4):

Ambry Genetics
Classification: Likely benign for Hereditary cancer-predisposing syndrome. Last evaluated: 2024-11-20. Review status: criteria provided, single submitter. Criteria: Ambry Variant Classification Scheme 2023. Collection method: clinical testing. Allele origin: germline.

Quest Diagnostics Nichols Institute San Juan Capistrano
Classification: Uncertain significance. Last evaluated: 2024-11-15. Review status: criteria provided, single submitter. Criteria: Quest Diagnostics criteria. Collection method: clinical testing. Allele origin: unknown.
Comment: The BMPR1A c.1426G>A (p.Val476Ile) variant has not been reported in individuals with BMPR1A-related conditions in the published literature. It also has not been reported in large, multi-ethnic general populations (Genome Aggregation Database). Analysis of this variant using bioinformatics tools for the prediction of the effect of amino acid changes on protein structure and function yielded predictions that this variant is benign. Based on the available information, we are unable to determine the clinical significance of this variant.

Labcorp Genetics (formerly Invitae), Labcorp
Classification: Uncertain significance for Juvenile polyposis syndrome. Last evaluated: 2024-05-23. Review status: criteria provided, single submitter. Criteria: Invitae Variant Classification Sherloc (09022015). Collection method: clinical testing. Allele origin: germline.
Comment: This sequence change replaces valine, which is neutral and non-polar, with isoleucine, which is neutral and non-polar, at codon 476 of the BMPR1A protein (p.Val476Ile). This variant is not present in population databases (gnomAD no frequency). This variant has not been reported in the literature in individuals affected with BMPR1A-related conditions. ClinVar contains an entry for this variant (Variation ID: 1319118). Advanced modeling of protein sequence and biophysical properties (such as structural, functional, and spatial information, amino acid conservation, physicochemical variation, residue mobility, and thermodynamic stability) performed at Invitae indicates that this missense variant is not expected to disrupt BMPR1A protein function with a negative predictive value of 80%. In summary, the available evidence is currently insufficient to determine the role of this variant in disease. Therefore, it has been classified as a Variant of Uncertain Significance.

Institute for Clinical Genetics, University Hospital TU Dresden, University Hospital TU Dresden
Classification: Uncertain significance. Last evaluated: 2021-11-03. Review status: criteria provided, single submitter. Criteria: ACMG Guidelines, 2015. Collection method: clinical testing. Allele origin: germline.